The following is an entry in ClinVar:

ClinVar aggregate classification (germline): Likely benign. Review status: criteria provided, multiple submitters, no conflicts (2 of 4 stars). 4 submissions from 4 submitters: Likely benign (4). Last evaluated 2026-01-27.

Conditions:
Cardiovascular phenotype. Identifiers: MedGen CN230736.

gnomAD v4.1: 116 of 1,548,200 alleles (0.0075%); highest among the groups gnomAD compares: Admixed American, 0.045%; 1 homozygote.

Submissions (4):

Labcorp Genetics (formerly Invitae), Labcorp
Classification: Likely benign. Last evaluated: 2026-01-27. Review status: criteria provided, single submitter. Criteria: Invitae Variant Classification Sherloc (09022015). Collection method: clinical testing. Allele origin: germline.

Mayo Clinic Laboratories, Mayo Clinic
Classification: Likely benign. Last evaluated: 2025-10-21. Review status: criteria provided, single submitter. Criteria: ACMG Guidelines, 2015. Collection method: clinical testing. Allele origin: germline. Observed: 1 variant allele.
Comment: BS1, BP4, BP7

Ambry Genetics
Classification: Likely benign for Cardiovascular phenotype. Last evaluated: 2021-01-27. Review status: criteria provided, single submitter. Criteria: Ambry Variant Classification Scheme 2023. Collection method: clinical testing. Allele origin: germline.

GeneDx
Classification: Likely benign. Last evaluated: 2020-09-15. Review status: criteria provided, single submitter. Criteria: GeneDx Variant Classification Process June 2021. Collection method: clinical testing. Allele origin: germline. Affected: yes.

NM_001367624.2(ZNF469):c.4863G>A (p.Thr1621=)

Gene: ZNF469 (zinc finger protein 469; plus strand). Cytogenetic location: 16q24.2.
Variant type: single nucleotide variant.
Coding change: c.4863G>A on transcript NM_001367624.2 (MANE Select); coding-DNA position 4863, G replaced by A.
Protein change: p.Thr1621=; no amino-acid change (threonine 1621 retained).
Molecular consequence: synonymous variant.
Genome position (GRCh38, 1-based): chr16:88,432,333, G>A. VCF-style: chr16-88432333-G-A. GRCh37 (hg19) VCF-style: chr16-88498741-G-A.
Other names: NM_001127464.1:c.4779G>A; p.Thr1621=.
Identifiers: ClinVar variation 1200661 (VCV001200661.11), dbSNP rs778048230, ClinGen allele CA8225015.